The following is an entry in ClinVar:

NM_153704.6(TMEM67):c.754A>G (p.Met252Val)

Gene: TMEM67 (transmembrane protein 67; plus strand). Cytogenetic location: 8q22.1.
Variant type: single nucleotide variant.
Coding change: c.754A>G on transcript NM_153704.6 (MANE Select); coding-DNA position 754, A replaced by G.
Protein change: p.Met252Val; replaces methionine 252 with valine.
Molecular consequence: missense variant. On other transcripts: non-coding transcript variant (1).
Genome position (GRCh38, 1-based): chr8:93,780,632, A>G. VCF-style: chr8-93780632-A-G. GRCh37 (hg19) VCF-style: chr8-94792860-A-G.
Other names: c.511A>G, p.Met171Val (NM_001142301.1); short protein forms M171V, M252V.
Identifiers: ClinVar variation 2921894 (VCV002921894.3), dbSNP rs2536841703, ClinGen allele CA371687773.
Genomic context (GRCh38, chr8:93,780,632, plus strand): 5'-TTTGCCATTGTTCTGTTGTAGGTATATGCCAATCTAACATCTTGTCAAGCTCTTGGAAAT[A>G]TGTGTGTGATGAACATGAATTCTTACGACTTTGCCACATTTGATGCATGTGGACTATTTC-3'
Protein context (NP_714915.3, residues 242-262): NLTSCQALGN[Met252Val]CVMNMNSYDF

ClinVar aggregate classification (germline): Likely pathogenic (1 of 4 stars; one submission).

Conditions:
Joubert syndrome. Also called: CEREBELLOPARENCHYMAL DISORDER IV; JOUBERT-BOLTSHAUSER SYNDROME; Familial aplasia of the vermis. Identifiers: Orphanet 475, MedGen C5979921, MONDO:0018772.
Meckel-Gruber syndrome. Also called: DYSENCEPHALIA SPLANCHNOCYSTICA; GRUBER SYNDROME; Dysencephalia splachnocystica. Identifiers: Orphanet 564, MedGen C0265215, MONDO:0018921.

Allele frequency attached by ClinVar (database versions not stated): gnomAD exomes below 0.00001.
gnomAD v4.1: 2 of 1,614,138 alleles (0.00012%); highest among the groups gnomAD compares: South Asian, 0.0011%; no homozygotes.

Submission:

Labcorp Genetics (formerly Invitae), Labcorp
Classification: Likely pathogenic for Joubert syndrome; Meckel-Gruber syndrome. Last evaluated: 2024-01-02. Review status: criteria provided, single submitter. Criteria: Invitae Variant Classification Sherloc (09022015). Collection method: clinical testing. Allele origin: germline.
Comment: This sequence change replaces methionine, which is neutral and non-polar, with valine, which is neutral and non-polar, at codon 252 of the TMEM67 protein (p.Met252Val). This variant is not present in population databases (gnomAD no frequency). This variant has not been reported in the literature in individuals affected with TMEM67-related conditions. Advanced modeling of protein sequence and biophysical properties (such as structural, functional, and spatial information, amino acid conservation, physicochemical variation, residue mobility, and thermodynamic stability) performed at Invitae indicates that this missense variant is expected to disrupt TMEM67 protein function with a positive predictive value of 95%. This variant disrupts the p.Met252 amino acid residue in TMEM67. Other variant(s) that disrupt this residue have been determined to be pathogenic (PMID: 17397051, 26035863, 28497568, 29568536). This suggests that this residue is clinically significant, and that variants that disrupt this residue are likely to be disease-causing. In summary, the currently available evidence indicates that the variant is pathogenic, but additional data are needed to prove that conclusively. Therefore, this variant has been classified as Likely Pathogenic.

Literature cited by the submitters: PubMed 17397051; PubMed 26035863; PubMed 28497568; PubMed 29568536.